The following is an entry in ClinVar:

ClinVar aggregate classification (germline): Uncertain significance. Review status: criteria provided, multiple submitters, no conflicts (2 of 4 stars). 3 submissions from 3 submitters: Uncertain significance (3). Last evaluated 2024-10-18.

Conditions:
Cardiovascular phenotype. Identifiers: MedGen CN230736.
Duchenne muscular dystrophy (DMD). Also called: MUSCULAR DYSTROPHY, PSEUDOHYPERTROPHIC PROGRESSIVE, DUCHENNE TYPE; Duchenne Muscular Dystrophy (DMD). Identifiers: Orphanet 98896, MedGen C0013264, MONDO:0010679, OMIM 310200.

gnomAD v4.1: 6 of 1,209,397 alleles (0.0005%); highest among the groups gnomAD compares: Non-Finnish European, 0.00067%; no homozygotes.

Submissions (3):

Women's Health and Genetics/Laboratory Corporation of America, LabCorp
Classification: Uncertain significance. Last evaluated: 2024-10-18. Review status: criteria provided, single submitter. Criteria: LabCorp Variant Classification Summary - May 2015. Collection method: clinical testing. Allele origin: germline.
Comment: Variant summary: DMD c.310C>T (p.His104Tyr) results in a conservative amino acid change in the encoded protein sequence. Four of five in-silico tools predict a damaging effect of the variant on protein function. The variant was absent in 183254 control chromosomes (gnomAD). The available data on variant occurrences in the general population are insufficient to allow any conclusion about variant significance. To our knowledge, no occurrence of c.310C>T in individuals affected with Duchenne Muscular Dystrophy and no experimental evidence demonstrating its impact on protein function have been reported. ClinVar contains an entry for this variant (Variation ID: 1727728). Based on the evidence outlined above, the variant was classified as uncertain significance.

Labcorp Genetics (formerly Invitae), Labcorp
Classification: Uncertain significance for Duchenne muscular dystrophy. Last evaluated: 2024-06-22. Review status: criteria provided, single submitter. Criteria: Invitae Variant Classification Sherloc (09022015). Collection method: clinical testing. Allele origin: germline.
Comment: This sequence change replaces histidine, which is basic and polar, with tyrosine, which is neutral and polar, at codon 104 of the DMD protein (p.His104Tyr). This variant is not present in population databases (gnomAD no frequency). This variant has not been reported in the literature in individuals affected with DMD-related conditions. ClinVar contains an entry for this variant (Variation ID: 1727728). Advanced modeling of protein sequence and biophysical properties (such as structural, functional, and spatial information, amino acid conservation, physicochemical variation, residue mobility, and thermodynamic stability) performed at Invitae indicates that this missense variant is not expected to disrupt DMD protein function with a negative predictive value of 95%. In summary, the available evidence is currently insufficient to determine the role of this variant in disease. Therefore, it has been classified as a Variant of Uncertain Significance.

Ambry Genetics
Classification: Uncertain significance for Cardiovascular phenotype. Last evaluated: 2019-07-31. Review status: criteria provided, single submitter. Criteria: Ambry Variant Classification Scheme 2023. Collection method: clinical testing. Allele origin: germline.
Comment: The p.H104Y variant (also known as c.310C>T), located in coding exon 5 of the DMD gene, results from a C to T substitution at nucleotide position 310. The histidine at codon 104 is replaced by tyrosine, an amino acid with similar properties. This amino acid position is highly conserved in available vertebrate species. In addition, this alteration is predicted to be deleterious by in silico analysis. Since supporting evidence is limited at this time, the clinical significance of this alteration remains unclear.

NM_004006.3(DMD):c.310C>T (p.His104Tyr)

Gene: DMD (dystrophin; minus strand). Cytogenetic location: Xp21.1.
Variant type: single nucleotide variant.
Coding change: c.310C>T on transcript NM_004006.3 (MANE Select); coding-DNA position 310, C replaced by T.
Protein change: p.His104Tyr; replaces histidine 104 with tyrosine.
Molecular consequence: missense variant. On other transcripts: 5 prime UTR variant (1).
Genome position (GRCh38, 1-based): chrX:32,823,342, G>A on the plus strand (C>T on the coding strand, the complement: DMD is on the minus strand). VCF-style: chrX-32823342-G-A. GRCh37 (hg19) VCF-style: chrX-32841459-G-A.
Other names: c.286C>T, p.His96Tyr (NM_000109.4); c.298C>T, p.His100Tyr (NM_004009.3); c.-60C>T (NM_004010.3); short protein forms H96Y, H100Y, H104Y.
Identifiers: ClinVar variation 1727728 (VCV001727728.5), dbSNP rs757270951, ClinGen allele CA412674512.